The following is an entry in ClinVar:

ClinVar aggregate classification (germline): Uncertain significance. Review status: criteria provided, multiple submitters, no conflicts (2 of 4 stars). 5 submissions from 5 submitters: Uncertain significance (5). Last evaluated 2024-10-18.

Conditions:
Inborn genetic diseases. Identifiers: MedGen C0950123, MeSH D030342.

Allele frequency attached by ClinVar (database versions not stated): gnomAD exomes 0.00006; gnomAD 0.00007; TOPMed 0.00008; ExAC 0.00011.

Submissions (5):

GeneDx
Classification: Uncertain significance. Last evaluated: 2024-10-18. Review status: criteria provided, single submitter. Criteria: GeneDx Variant Classification Process June 2021. Collection method: clinical testing. Allele origin: germline. Affected: yes.
Comment: In silico analysis supports that this missense variant has a deleterious effect on protein structure/function; Has not been previously published as pathogenic or benign to our knowledge

Blueprint Genetics
Classification: Uncertain significance. Last evaluated: 2024-08-12. Review status: criteria provided, single submitter. Criteria: ACMG Guidelines, 2015. Collection method: clinical testing. Allele origin: germline.

Mayo Clinic Laboratories, Mayo Clinic
Classification: Uncertain significance. Last evaluated: 2024-05-10. Review status: criteria provided, single submitter. Criteria: ACMG Guidelines, 2015. Collection method: clinical testing. Allele origin: germline. Observed: 1 variant allele.
Comment: PM2_moderate

Ambry Genetics
Classification: Uncertain significance for Inborn genetic diseases. Last evaluated: 2023-10-02. Review status: criteria provided, single submitter. Criteria: Ambry Variant Classification Scheme 2023. Collection method: clinical testing. Allele origin: germline.

Labcorp Genetics (formerly Invitae), Labcorp
Classification: Uncertain significance. Last evaluated: 2022-11-21. Review status: criteria provided, single submitter. Criteria: Invitae Variant Classification Sherloc (09022015). Collection method: clinical testing. Allele origin: germline.
Comment: In summary, the available evidence is currently insufficient to determine the role of this variant in disease. Therefore, it has been classified as a Variant of Uncertain Significance. Advanced modeling of protein sequence and biophysical properties (such as structural, functional, and spatial information, amino acid conservation, physicochemical variation, residue mobility, and thermodynamic stability) performed at Invitae indicates that this missense variant is not expected to disrupt LAMA1 protein function. ClinVar contains an entry for this variant (Variation ID: 1707050). This variant has not been reported in the literature in individuals affected with LAMA1-related conditions. This variant is present in population databases (rs767724545, gnomAD 0.03%). This sequence change replaces alanine, which is neutral and non-polar, with valine, which is neutral and non-polar, at codon 2022 of the LAMA1 protein (p.Ala2022Val).

NM_005559.4(LAMA1):c.6065C>T (p.Ala2022Val)

Gene: LAMA1 (laminin subunit alpha 1; minus strand). Cytogenetic location: 18p11.31.
Variant type: single nucleotide variant.
Coding change: c.6065C>T on transcript NM_005559.4 (MANE Select); coding-DNA position 6065, C replaced by T.
Protein change: p.Ala2022Val; replaces alanine 2022 with valine.
Molecular consequence: missense variant.
Genome position (GRCh38, 1-based): chr18:6,978,321, G>A on the plus strand (C>T on the coding strand, the complement: LAMA1 is on the minus strand). VCF-style: chr18-6978321-G-A. GRCh37 (hg19) VCF-style: chr18-6978320-G-A.
Other names: p.Ala2022Val; short protein forms A2022V.
Identifiers: ClinVar variation 1707050 (VCV001707050.9), dbSNP rs767724545, ClinGen allele CA8881368.